The following is an entry in ClinVar:

NM_000256.3(MYBPC3):c.966G>A (p.Trp322Ter)

Gene: MYBPC3 (myosin binding protein C3; minus strand). Cytogenetic location: 11p11.2.
Variant type: single nucleotide variant.
Coding change: c.966G>A on transcript NM_000256.3 (MANE Select); coding-DNA position 966, G replaced by A.
Protein change: p.Trp322Ter; replaces tryptophan 322 with a stop codon.
Molecular consequence: nonsense.
Genome position (GRCh38, 1-based): chr11:47,346,331, C>T on the plus strand (G>A on the coding strand, the complement: MYBPC3 is on the minus strand). VCF-style: chr11-47346331-C-T. GRCh37 (hg19) VCF-style: chr11-47367882-C-T.
Other names: short protein forms W322*.
Identifiers: ClinVar variation 164136 (VCV000164136.23), dbSNP rs727503211, ClinGen allele CA016205.

ClinVar aggregate classification (germline): Pathogenic. Review status: criteria provided, multiple submitters, no conflicts (2 of 4 stars). 6 submissions from 6 submitters: Pathogenic (6). Last evaluated 2025-11-09.

Conditions:
Cardiovascular phenotype. Identifiers: MedGen CN230736.
Hypertrophic cardiomyopathy. Also called: HYPERTROPHIC MYOCARDIOPATHY. Identifiers: Orphanet 217569, MedGen C0007194, MeSH D002312, MONDO:0005045, HP:0001639.

Allele frequency attached by ClinVar (database versions not stated): gnomAD exomes below 0.00001.
gnomAD v4.1: 1 of 1,609,838 alleles (0.000062%); highest among the groups gnomAD compares: African/African-American, 0.0013%; no homozygotes.

Submissions (6):

Labcorp Genetics (formerly Invitae), Labcorp
Classification: Pathogenic for Hypertrophic cardiomyopathy. Last evaluated: 2025-11-09. Review status: criteria provided, single submitter. Criteria: Invitae Variant Classification Sherloc (09022015). Collection method: clinical testing. Allele origin: germline.
Comment: This sequence change creates a premature translational stop signal (p.Trp322*) in the MYBPC3 gene. It is expected to result in an absent or disrupted protein product. Loss-of-function variants in MYBPC3 are known to be pathogenic (PMID: 19574547). This variant is not present in population databases (gnomAD no frequency). This premature translational stop signal has been observed in individuals with hypertrophic cardiomyopathy (PMID: 25611685; internal data). ClinVar contains an entry for this variant (Variation ID: 164136). For these reasons, this variant has been classified as Pathogenic.

GeneDx
Classification: Pathogenic. Last evaluated: 2024-12-21. Review status: criteria provided, single submitter. Criteria: GeneDx Variant Classification Process June 2021. Collection method: clinical testing. Allele origin: germline. Affected: yes.
Comment: Not observed at significant frequency in large population cohorts (gnomAD); Nonsense variant predicted to result in protein truncation or nonsense mediated decay in a gene for which loss of function is a known mechanism of disease; This variant is associated with the following publications: (PMID: 27532257, 38002985, 37652022, 25611685, 37089884)

Ambry Genetics
Classification: Pathogenic for Cardiovascular phenotype. Last evaluated: 2024-11-21. Review status: criteria provided, single submitter. Criteria: Ambry Variant Classification Scheme 2023. Collection method: clinical testing. Allele origin: germline.
Comment: The p.W322* pathogenic mutation (also known as c.966G>A), located in coding exon 12 of the MYBPC3 gene, results from a G to A substitution at nucleotide position 966. This changes the amino acid from a tryptophan to a stop codon within coding exon 12. This alteration has been reported in a hypertrophic cardiomyopathy (HCM) cohort (Alfares AA et al. Genet. Med., 2015 Nov;17:880-8). This variant is considered to be rare based on population cohorts in the Genome Aggregation Database (gnomAD). This alteration is expected to result in loss of function by premature protein truncation or nonsense-mediated mRNA decay. As such, this alteration is interpreted as a disease-causing mutation.

All of Us Research Program, National Institutes of Health
Classification: Pathogenic for Hypertrophic cardiomyopathy. Last evaluated: 2024-07-23. Review status: criteria provided, single submitter. Criteria: ACMG Guidelines, 2015. Collection method: clinical testing. Allele origin: germline. Inheritance: Autosomal dominant inheritance. Observed: 1 variant allele, 1 heterozygote.
Comment: This variant is predicted to result in loss of protein function through nonsense-mediated decay or protein truncation. Loss of function is an established mechanism of disease. This variant has been reported in individuals with hypertrophic cardiomyopathy or referred for MYBPC3 genetic testing (PMID: 27532257, 25611685, 38002985, 37089884). This variant is absent from large population databases, including the Genome Aggregation Database.

This study involves interpretation of variants in research participants for the purpose of population health screening. Participant phenotype was not available at the time of variant classification. Additional details can be found in publication PMID: 35346344, PMCID: PMC8962531

Stanford Center for Inherited Cardiovascular Disease, Stanford University
Classification: Pathogenic. Last evaluated: 2016-12-16. Review status: criteria provided, single submitter. Criteria: ACMG Guidelines, 2015. Collection method: provider interpretation. Allele origin: germline.

Laboratory for Molecular Medicine, Mass General Brigham Personalized Medicine
Classification: Pathogenic for Hypertrophic cardiomyopathy. Last evaluated: 2015-04-14. Review status: criteria provided, single submitter. Criteria: LMM Criteria. Collection method: clinical testing. Allele origin: germline. Inheritance: Autosomal dominant inheritance. Observed: 5 variant alleles.
Comment: The p.Trp322X variant in MYBPC3 has been reported by our laboratory in two indiv iduals with HCM (childhood-onset in one of them). It has not been identified in large population studies. This nonsense variant leads to a premature termination codon at position 322, which is predicted to lead to a truncated or absent prot ein. Heterozygous loss of function of the MYBPC3 gene is an established disease mechanism in individuals with HCM. In summary, this variant meets criteria to be classified as pathogenic for HCM in an autosomal dominant manner based upon the predicted impact of the variant.

Literature cited by the submitters: PubMed 19574547 (cited by Labcorp Genetics (formerly Invitae), Labcorp); PubMed 25611685 (cited by 3 submitters); PubMed 27532257 (cited by All of Us Research Program, National Institutes of Health); PubMed 37089884 (cited by All of Us Research Program, National Institutes of Health); PubMed 38002985 (cited by All of Us Research Program, National Institutes of Health).